The following is an entry in ClinVar:

ClinVar aggregate classification (germline): Uncertain significance (1 of 4 stars; one submission).

Conditions:
Arrhythmogenic right ventricular dysplasia 13. Also called: ARRHYTHMOGENIC RIGHT VENTRICULAR CARDIOMYOPATHY 13; Arrhythmogenic right ventricular dysplasia, familial, 13. Identifiers: MedGen C3810138, MONDO:0000908, OMIM 615616.

Allele frequency attached by ClinVar (database versions not stated): gnomAD exomes below 0.00001; gnomAD 0.00001; TOPMed 0.00001.
gnomAD v4.1: 3 of 1,613,544 alleles (0.00019%); highest among the groups gnomAD compares: African/African-American, 0.0013%; no homozygotes.

Submission:

Labcorp Genetics (formerly Invitae), Labcorp
Classification: Uncertain significance for Arrhythmogenic right ventricular dysplasia 13. Last evaluated: 2021-09-20. Review status: criteria provided, single submitter. Criteria: Invitae Variant Classification Sherloc (09022015). Collection method: clinical testing. Allele origin: germline.
Comment: This sequence change replaces lysine with glutamic acid at codon 682 of the CTNNA3 protein (p.Lys682Glu). The lysine residue is moderately conserved and there is a small physicochemical difference between lysine and glutamic acid. This variant is not present in population databases (ExAC no frequency). This variant has not been reported in the literature in individuals affected with CTNNA3-related conditions. Algorithms developed to predict the effect of missense changes on protein structure and function are either unavailable or do not agree on the potential impact of this missense change (SIFT: "Tolerated"; PolyPhen-2: "Not Available"; Align-GVGD: "Class C0"). In summary, the available evidence is currently insufficient to determine the role of this variant in disease. Therefore, it has been classified as a Variant of Uncertain Significance.

NM_013266.4(CTNNA3):c.2044A>G (p.Lys682Glu)

Gene: CTNNA3 (catenin alpha 3; minus strand). Cytogenetic location: 10q21.3.
Variant type: single nucleotide variant.
Coding change: c.2044A>G on transcript NM_013266.4 (MANE Select); coding-DNA position 2044, A replaced by G.
Protein change: p.Lys682Glu; replaces lysine 682 with glutamic acid.
Molecular consequence: missense variant.
Genome position (GRCh38, 1-based): chr10:66,069,423, T>C on the plus strand (A>G on the coding strand, the complement: CTNNA3 is on the minus strand). VCF-style: chr10-66069423-T-C. GRCh37 (hg19) VCF-style: chr10-67829181-T-C.
Other names: c.2044A>G, p.Lys682Glu (NM_001127384.3); short protein forms K682E.
Identifiers: ClinVar variation 1461599 (VCV001461599.6), dbSNP rs911988614, ClinGen allele CA208966603.
Genomic context (GRCh38, chr10:66,069,423, plus strand): 5'-TGATGTCGTTGCTTGTATCATCCCATATCTCAATCTCAGCATCCAGCTTACTCTTTACTT[T>C]CTTGAAATCAGCAACTTGCTCAGCAATCTTTTCTTTTTCTGCCTCAGGCAGTTGAGTCAT-3'
Protein context (NP_037398.2, residues 672-692): KIAEQVADFK[Lys682Glu]VKSKLDAEIE